The following is an entry in ClinVar:

ClinVar aggregate classification (germline): Uncertain significance (1 of 4 stars; one submission).

Conditions:
Malignant hyperthermia, susceptibility to, 5 (MHS5). Also called: CACNA1S-Related Malignant Hyperthermia Susceptibility. Identifiers: Orphanet 423, MedGen C1866077, MONDO:0011163, OMIM 601887.

Allele frequency attached by ClinVar (database versions not stated): TOPMed below 0.00001; ExAC 0.00001; gnomAD 0.00001; gnomAD exomes 0.00001.
gnomAD v4.1: 10 of 1,613,586 alleles (0.00062%); highest among the groups gnomAD compares: East Asian, 0.0067%; no homozygotes.

Submission:

All of Us Research Program, National Institutes of Health
Classification: Uncertain significance for Malignant hyperthermia, susceptibility to, 5. Last evaluated: 2023-11-30. Review status: criteria provided, single submitter. Criteria: ACMG Guidelines, 2015. Collection method: clinical testing. Allele origin: germline. Inheritance: Autosomal dominant inheritance. Observed: 4 variant alleles, 4 heterozygotes.
Comment: This missense variant replaces valine with alanine at codon 1253 of the CACNA1S protein. Computational prediction suggests that this variant may have deleterious impact on protein structure and function (internally defined REVEL score threshold >= 0.7, PMID: 27666373). To our knowledge, functional studies have not been reported for this variant. This variant has not been reported in individuals affected with CACNA1S-related disorders in the literature. This variant has been identified in 3/251402 chromosomes in the general population by the Genome Aggregation Database (gnomAD). The available evidence is insufficient to determine the role of this variant in disease conclusively. Therefore, this variant is classified as a Variant of Uncertain Significance.

This study involves interpretation of variants in research participants for the purpose of population health screening. Participant phenotype was not available at the time of variant classification. Additional details can be found in publication PMID: 35346344, PMCID: PMC8962531

NM_000069.3(CACNA1S):c.3758T>C (p.Val1253Ala)

Gene: CACNA1S (calcium voltage-gated channel subunit alpha1 S; minus strand). Cytogenetic location: 1q32.1.
Variant type: single nucleotide variant.
Coding change: c.3758T>C on transcript NM_000069.3 (MANE Select); coding-DNA position 3758, T replaced by C.
Protein change: p.Val1253Ala; replaces valine 1253 with alanine.
Molecular consequence: missense variant.
Genome position (GRCh38, 1-based): chr1:201,053,496, A>G on the plus strand (T>C on the coding strand, the complement: CACNA1S is on the minus strand). VCF-style: chr1-201053496-A-G. GRCh37 (hg19) VCF-style: chr1-201022624-A-G.
Other names: short protein forms V1253A.
Identifiers: ClinVar variation 3072602 (VCV003072602.1), dbSNP rs759331517, ClinGen allele CA082803.